The following is an entry in ClinVar:

ClinVar aggregate classification (germline): Uncertain significance. Review status: criteria provided, multiple submitters, no conflicts (2 of 4 stars). 12 submissions from 12 submitters: Uncertain significance (9). 3 of the submissions do not count toward it. Last evaluated 2026-08-26.

Conditions:
ATM-related disorder. Also called: ATM-related disorders; ATM-related condition.
Familial colorectal cancer type X. Identifiers: Orphanet 440437, MedGen C3896578, MONDO:0018604.
Hereditary cancer-predisposing syndrome. Also called: Neoplastic Syndromes, Hereditary; Hereditary neoplastic syndrome; Tumor predisposition; Hereditary Cancer Syndrome. Identifiers: Orphanet 140162, MedGen C0027672, MeSH D009386, MONDO:0015356.
Familial cancer of breast. Also called: hereditary breast carcinoma; Hereditary breast cancer; BREAST CANCER, FAMILIAL. Identifiers: Orphanet 227535, MedGen C0346153, MONDO:0016419, OMIM 114480. Disease mechanism: loss of function.
Ataxia-telangiectasia syndrome (AT). Also called: Ataxia telangiectasia (A-T); Cerebello-oculocutaneous telangiectasia; Immunodeficiency with ataxia telangiectasia; LOUIS-BAR SYNDROME; AT, COMPLEMENTATION GROUP C; ATAXIA-TELANGIECTASIA, FRESNO VARIANT. Identifiers: Orphanet 100, MedGen C0004135, MONDO:0008840, OMIM 208900.

Allele frequency attached by ClinVar (database versions not stated): ExAC 0.00001; gnomAD 0.00001.
gnomAD v4.1: 8 of 1,599,482 alleles (0.0005%); highest among the groups gnomAD compares: East Asian, 0.0022%; no homozygotes.

Submissions 1 to 8 of 12:

PreventionGenetics, part of Exact Sciences
Classification: Uncertain significance for ATM-related condition. Last evaluated: 2026-08-26. Review status: criteria provided, single submitter. Criteria: ACMG Guidelines, 2015. Collection method: clinical testing. Allele origin: germline.
Comment: The ATM c.8672G>A variant is predicted to result in the amino acid substitution p.Gly2891Asp. This variant was reported in the compound heterozygous state with a second pathogenic ATM variant in an individual diagnosed with mild ataxia telangiectasia (Byrd et al. 2011. PubMed ID: 22146522). It was also reported in an individual with ataxia who had a pathogenic frameshift variant but the phase of the two variants was not reported (Lipponen et al 2021. PubMed ID: 34600502), and in an individual with chronic lymphocytic leukemia (CLL) who had a concomitant 11q deletion that resulted in the loss of the other ATM allele (Skowronska et al. 2011. PubMed ID: 21933854). It has also been reported in individuals with colorectal cancer and breast cancer (Fujita et al. 2020. PubMed ID: 33309985; Tavtigian et al. 2009. PubMed ID: 19781682; Decker et al. 2017. PubMed ID: 28779002). This variant has not been reported in a large population database, indicating it is rare and has been interpreted as a variant of uncertain significance in ClinVar (Variation ID: 216235). Functional studies suggest this variant reduces ATM kinase activity (Byrd et al 2011. PubMed ID: 22146522). The clinical significance of this variant is currently uncertain due to the absence of conclusive functional and genetic evidence.

Labcorp Genetics (formerly Invitae), Labcorp
Classification: Uncertain significance for Ataxia-telangiectasia syndrome. Last evaluated: 2026-01-13. Review status: criteria provided, single submitter. Criteria: Invitae Variant Classification Sherloc (09022015). Collection method: clinical testing. Allele origin: germline.
Comment: This sequence change replaces glycine, which is neutral and non-polar, with aspartic acid, which is acidic and polar, at codon 2891 of the ATM protein (p.Gly2891Asp). This variant is not present in population databases (gnomAD no frequency). This missense change has been observed in individual(s) with breast cancer and/or clinical features of mild ataxia telangiectasia (PMID: 16832357, 19781682, 22146522, 34326862, 34600502). In at least one individual the data is consistent with being in trans (on the opposite chromosome) from a pathogenic variant. This missense change has been observed to co-occur in individuals with a different variant in ATM that has been determined to be pathogenic (internal data), but the significance of this finding is unclear. ClinVar contains an entry for this variant (Variation ID: 216235). An algorithm developed to predict the effect of missense changes on protein structure and function (PolyPhen-2) suggests that this variant is likely to be disruptive. Experimental studies have shown that this missense change affects ATM function (PMID: 22146522). In summary, the available evidence is currently insufficient to determine the role of this variant in disease. Therefore, it has been classified as a Variant of Uncertain Significance.

Color Diagnostics, LLC DBA Color Health
Classification: Uncertain significance for Hereditary cancer-predisposing syndrome. Last evaluated: 2025-10-01. Review status: criteria provided, single submitter. Criteria: ACMG Guidelines, 2015. Collection method: clinical testing. Allele origin: germline.
Comment: This missense variant replaces glycine with aspartic acid at codon 2891 of the ATM protein. Computational prediction suggests that this variant may have deleterious impact on protein structure and function. This variant has been reported in individuals affected with breast cancer (PMID: 16832357, 19781682, 22146522, 28779002). One individual affected with breast cancer had a pathogenic ATM variant in trans, was sensitive to radiation, but did not exhibit classic ataxia telangiectasia symptoms (PMID: 22146522). A cell line derived from this individual showed reduced protein stability, reduced kinase activity, and reduced foci formation after DNA damage (PMID: 22146522). However, protein expression and function was higher compared to cell lines derived from individuals with classic ataxia telangiectasia (PMID: 22146522). In a large international case-control study, this variant was reported in 0/60466 breast cancer cases and 1/53460 controls (PMID: 33471991). This variant has also been reported in an individual affected with chronic lymphocytic leukemia (PMID: 21933854) and an atomic bomb survivor affected with myelodysplastic syndrome (PMID: 31101757). This variant has not been identified in the general population by the Genome Aggregation Database (gnomAD). The available evidence is insufficient to determine the role of this variant in disease conclusively. Therefore, this variant is classified as a Variant of Uncertain Significance.

Ambry Genetics
Classification: Uncertain significance for Hereditary cancer-predisposing syndrome. Last evaluated: 2025-09-12. Review status: criteria provided, single submitter. Criteria: Ambry Variant Classification Scheme 2023. Collection method: clinical testing. Allele origin: germline.
Comment: The p.G2891D variant (also known as c.8672G>A), located in coding exon 59 of the ATM gene, results from a G to A substitution at nucleotide position 8672. This variant impacts the first base pair of coding exon 59. The glycine at codon 2891 is replaced by aspartic acid, an amino acid with similar properties. Functional testing revealed that her lymphoblastoid cell lines had reduced ATM expression and reduced ATM kinase activity compared to wildtype, but expression and kinase activity were higher than with a classic AT (Byrd PJ et al. Br. J. Cancer. 2012 Jan;106(2):262-8). This individual was also found to have ATM c.1813del however phase was not determined (Lipponen J et al. BMC Neurol, 2021 Oct;21:382). This alteration has also been detected in multiple cohorts of individuals diagnosed with breast cancer (Tavtigian S et al. Am J Hum Genet. 2009 Oct;85(4):427-46; Decker B et al. J. Med. Genet. 2017 11;54:732-741; Kwong A et al. J Mol Diagn, 2020 Apr;22:544-554). This variant has been identified in 1/12503 unselected Japanese colorectal cancer patients and in 0/23705 controls (Fujita M et al. Clin Gastroenterol Hepatol. 2020 Dec 11;S1542-3565(20)31664-5). This amino acid position is highly conserved in available vertebrate species. In addition, this alteration is predicted to be deleterious by in silico analysis. Based on the available evidence, the clinical significance of this variant remains unclear.

Center for Genomic Medicine, Rigshospitalet, Copenhagen University Hospital
Classification: Uncertain significance. Last evaluated: 2025-03-04. Review status: criteria provided, single submitter. Criteria: ACMG Guidelines, 2015. Collection method: clinical testing. Allele origin: germline.

GeneDx
Classification: Uncertain significance. Last evaluated: 2024-05-22. Review status: criteria provided, single submitter. Criteria: GeneDx Variant Classification Process June 2021. Collection method: clinical testing. Allele origin: germline. Affected: yes.
Comment: Published functional studies demonstrated intermediate cell survival and chromosomal damage in response to radiation, and reduced, but not absent, kinase activity (PMID: 22146522); In silico analysis supports that this missense variant has a deleterious effect on protein structure/function; Not observed at significant frequency in large population cohorts (gnomAD); This variant is associated with the following publications: (PMID: 25625042, 19781682, 21787400, 27479817, 29872864, 28779002, 20346647, 23091097, 25480502, 21933854, 21792198, 25040471, 24825865, 29449575, 31101757, 30549301, 33309985, 32748564, 34600502, 16832357, 34326862, 23532176, 31056428, 32068069, 22146522, 33471991, 29667044)

Baylor Genetics
Classification: Uncertain significance for Familial cancer of breast. Last evaluated: 2024-03-21. Review status: criteria provided, single submitter. Criteria: ACMG Guidelines, 2015. Collection method: clinical testing. Allele origin: unknown.

Department of Pathology and Laboratory Medicine, Sinai Health System
Classification: Uncertain significance for Familial colorectal cancer type X. Last evaluated: 2023-07-11. Review status: criteria provided, single submitter. Criteria: ACMG Guidelines, 2015. Collection method: clinical testing. Allele origin: germline. Affected: yes.

NM_000051.4(ATM):c.8672G>A (p.Gly2891Asp)

Genes: ATM (ATM serine/threonine kinase; plus strand), C11orf65 (chromosome 11 open reading frame 65; minus strand). Cytogenetic location: 11q22.3.
Variant type: single nucleotide variant.
Coding change: c.8672G>A on transcript NM_000051.4 (MANE Select); coding-DNA position 8672, G replaced by A.
Protein change: p.Gly2891Asp; replaces glycine 2891 with aspartic acid.
Molecular consequence: missense variant. On other transcripts: intron variant (2).
Genome position (GRCh38, 1-based): chr11:108,353,766, G>A. VCF-style: chr11-108353766-G-A. GRCh37 (hg19) VCF-style: chr11-108224493-G-A.
Other names: c.8672G>A, p.Gly2891Asp (NM_001351834.2); c.640+32154C>T (NM_001330368.2); c.695-18474C>T (NM_001351110.2); short protein forms G2891D.
Identifiers: ClinVar variation 216235 (VCV000216235.35), dbSNP rs748192003, ClinGen allele CA336203.
Genomic context (GRCh38, chr11:108,353,766, plus strand): 5'-ACTGGAAAGAAAGTAAATTAGCTGTCAAACCTCCTAACTTCACTGTATTCTTTACTTTAG[G>A]TGTTGCTTTTGAACAGGGCAAAATCCTTCCTACTCCTGAGACAGTTCCTTTTAGACTCAC-3'
Protein context (NP_000042.3, residues 2881-2901): QSAELVHIDL[Gly2891Asp]VAFEQGKILP